The following is an entry in ClinVar:

ClinVar aggregate classification (germline): Likely pathogenic (1 of 4 stars; one submission).

Conditions:
Intellectual developmental disorder 61. Also called: MENTAL RETARDATION, AUTOSOMAL DOMINANT 61; INTELLECTUAL DEVELOPMENTAL DISORDER, AUTOSOMAL DOMINANT 61. Identifiers: MedGen C5231400, MONDO:0032485, OMIM 618009.

Submission:

3billion
Classification: Likely pathogenic for Intellectual developmental disorder 61. Last evaluated: 2024-01-04. Review status: criteria provided, single submitter. Criteria: ACMG Guidelines, 2015. Collection method: clinical testing. Allele origin: germline. Affected: yes.
Comment: The variant is not observed in the gnomAD v2.1.1 dataset. Predicted Consequence/Location: Frameshift: predicted to result in a loss or disruption of normal protein function through nonsense-mediated decay (NMD) or protein truncation. Multiple pathogenic variants are reported downstream of the variant. Therefore, this variant is classified as Likely pathogenic according to the recommendation of ACMG/AMP guideline.

NM_005121.3(MED13):c.10_20dup (p.Asn8fs)

Genes: MED13 (mediator complex subunit 13; minus strand), LOC130061364 (ATAC-STARR-seq lymphoblastoid silent region 8803; plus strand). Cytogenetic location: 17q23.2.
Variant type: Duplication.
Coding change: c.10_20dup on transcript NM_005121.3 (MANE Select); coding-DNA positions 10 to 20, 11 bases duplicated (TCCTTCGTGCC).
Protein change: p.Asn8fs; shifts the reading frame from asparagine 8.
Molecular consequence: frameshift variant.
Genome position (GRCh38, 1-based): chr17:62,065,186-62,065,196, GGCACGAAGGA duplicated on the plus strand (TCCTTCGTGCC on the coding strand, the reverse complement: MED13 is on the minus strand); duplicating any 11 consecutive bases within chr17:62,065,186-62,065,201 gives the same sequence; the c. name uses the placement nearest the transcript's 3' end. VCF-style (leftmost placement, unchanged base first): chr17-62065185-C-CGGCACGAAGGA. GRCh37 (hg19) VCF-style: chr17-60142546-C-CGGCACGAAGGA.
Other names: short protein forms N8fs.
Identifiers: ClinVar variation 3775214 (VCV003775214.1).